The following is an entry in ClinVar:

ClinVar aggregate classification (germline): Uncertain significance (1 of 4 stars; one submission).

Allele frequency attached by ClinVar (database versions not stated): gnomAD exomes below 0.00001; gnomAD 0.00005; TOPMed 0.00007.

Submission:

Labcorp Genetics (formerly Invitae), Labcorp
Classification: Uncertain significance. Last evaluated: 2022-05-25. Review status: criteria provided, single submitter. Criteria: Invitae Variant Classification Sherloc (09022015). Collection method: clinical testing. Allele origin: germline.
Comment: In summary, the available evidence is currently insufficient to determine the role of this variant in disease. Therefore, it has been classified as a Variant of Uncertain Significance. Algorithms developed to predict the effect of missense changes on protein structure and function are either unavailable or do not agree on the potential impact of this missense change (SIFT: "Deleterious"; PolyPhen-2: "Probably Damaging"; Align-GVGD: "Class C0"). This variant has not been reported in the literature in individuals affected with KLHDC8B-related conditions. This variant is present in population databases (no rsID available, gnomAD 0.02%). This sequence change replaces leucine, which is neutral and non-polar, with valine, which is neutral and non-polar, at codon 348 of the KLHDC8B protein (p.Leu348Val).

NM_173546.3(KLHDC8B):c.1042C>G (p.Leu348Val)

Gene: KLHDC8B (kelch domain containing 8B; plus strand). Cytogenetic location: 3p21.31.
Variant type: single nucleotide variant.
Coding change: c.1042C>G on transcript NM_173546.3 (MANE Select); coding-DNA position 1042, C replaced by G.
Protein change: p.Leu348Val; replaces leucine 348 with valine.
Molecular consequence: missense variant.
Genome position (GRCh38, 1-based): chr3:49,175,778, C>G. VCF-style: chr3-49175778-C-G. GRCh37 (hg19) VCF-style: chr3-49213211-C-G.
Other names: short protein forms L348V.
Identifiers: ClinVar variation 2174831 (VCV002174831.4), dbSNP rs951816662, ClinGen allele CA74525642.